The following is an entry in ClinVar:

ClinVar aggregate classification (germline): Conflicting classifications of pathogenicity. Review status: criteria provided, conflicting classifications (1 of 4 stars). 2 submissions from 2 submitters: Uncertain significance (1); Likely benign (1). Last evaluated 2026-06-09.

Conditions:
Tumor predisposition syndrome 2 (TPDS2). Also called: MBD4-ASSOCIATED NEOPLASIA SYNDROME; MBD4-Related Tumor Predisposition Syndrome; MBD4-associated neoplasia syndrome (MANS). Identifiers: Orphanet 661526, MedGen C5774186, MONDO:0859267, OMIM 619975.

Submissions (2):

Myriad Genetics, Inc.
Classification: Likely benign for Tumor predisposition syndrome 2. Last evaluated: 2026-06-09. Review status: criteria provided, single submitter. Criteria: Myriad Autosomal Dominant, Autosomal Recessive and X-Linked Classification Criteria (2023). Collection method: clinical testing. Allele origin: unknown.
Comment: This variant is considered likely benign. This variant is intronic and is not expected to impact mRNA splicing.

Labcorp Genetics (formerly Invitae), Labcorp
Classification: Uncertain significance. Last evaluated: 2024-09-03. Review status: criteria provided, single submitter. Criteria: Invitae Variant Classification Sherloc (09022015). Collection method: clinical testing. Allele origin: germline.
Comment: This sequence change falls in intron 4 of the MBD4 gene. It does not directly change the encoded amino acid sequence of the MBD4 protein. This variant is present in population databases (rs749993260, gnomAD 0.009%). This variant has not been reported in the literature in individuals affected with MBD4-related conditions. Algorithms developed to predict the effect of sequence changes on RNA splicing suggest that this variant may disrupt the consensus splice site. In summary, the available evidence is currently insufficient to determine the role of this variant in disease. Therefore, it has been classified as a Variant of Uncertain Significance.

NM_001276270.2(MBD4):c.1259-12_1259-11del

Gene: MBD4 (methyl-CpG binding domain 4, DNA glycosylase; minus strand). Cytogenetic location: 3q21.3.
Variant type: Deletion.
Coding change: c.1259-12_1259-11del on transcript NM_001276270.2 (MANE Select); 12 bases into the intron before coding-DNA position 1259 through 11 bases into the intron before coding-DNA position 1259, 2 bases deleted (AT; older notation c.1259-12_1259-11delAT).
Molecular consequence: intron variant.
Genome position (GRCh38, 1-based): chr3:129,433,995-129,433,996, AT deleted on the plus strand (AT on the coding strand, the reverse complement: MBD4 is on the minus strand); deleting any 2 consecutive bases within chr3:129,433,995-129,433,997 gives the same sequence; the c. name uses the placement nearest the transcript's 3' end. VCF-style (leftmost placement, unchanged base first): chr3-129433994-CAT-C. GRCh37 (hg19) VCF-style: chr3-129152837-CAT-C.
Other names: c.323-12_323-11del (NM_001276273.2); c.1277-12_1277-11del (NM_001276272.2, NM_003925.3, NM_001276271.2).
Identifiers: ClinVar variation 3678005 (VCV003678005.3).